The following is an entry in ClinVar:

NM_001267550.2(TTN):c.92506A>C (p.Thr30836Pro)

Genes: TTN (titin; minus strand), TTN-AS1 (TTN antisense RNA 1; plus strand). Cytogenetic location: 2q31.2.
Variant type: single nucleotide variant.
Coding change: c.92506A>C on transcript NM_001267550.2 (MANE Select); coding-DNA position 92506, A replaced by C.
Protein change: p.Thr30836Pro; replaces threonine 30836 with proline.
Molecular consequence: missense variant.
Genome position (GRCh38, 1-based): chr2:178,549,120, T>G on the plus strand (A>C on the coding strand, the complement: TTN is on the minus strand). VCF-style: chr2-178549120-T-G. GRCh37 (hg19) VCF-style: chr2-179413847-T-G.
Other names: c.87583A>C, p.Thr29195Pro (NM_001256850.1); c.65311A>C, p.Thr21771Pro (NM_003319.4); c.84802A>C, p.Thr28268Pro (NM_133378.4); c.65686A>C, p.Thr21896Pro (NM_133432.3); c.65887A>C, p.Thr21963Pro (NM_133437.4); short protein forms T30836P, T28268P, T21771P, T29195P, T21896P, T21963P.
Identifiers: ClinVar variation 332727 (VCV000332727.18), dbSNP rs762590394, ClinGen allele CA1987436.
Genomic context (GRCh38, chr2:178,549,120, plus strand): 5'-ACCCAATTATTTCCATGCCACCATCAAACACTGGTTTGGACCATTCTAAGCTCACAGTTG[T>G]CTTTGATGTGTCTGTTACTTTGACCACTGTGGGAGGACCTGGTGGGTTGACGGGCTCTCT-3'
Protein context (NP_001254479.2, residues 30826-30846): TVVKVTDTSK[Thr30836Pro]TVSLEWSKPV

ClinVar aggregate classification (germline): Conflicting classifications of pathogenicity. Review status: criteria provided, conflicting classifications (1 of 4 stars). 8 submissions from 4 submitters: Uncertain significance (4); Benign (2); Likely benign (1). 1 of the submissions does not count toward it. Last evaluated 2026-01-18.

Conditions:
Dilated cardiomyopathy 1G (CMD1G). Identifiers: Orphanet 154, MedGen C1858763, MONDO:0011400, OMIM 604145.
Autosomal recessive limb-girdle muscular dystrophy type 2J (LGMDR10). Also called: MUSCULAR DYSTROPHY, LIMB-GIRDLE, AUTOSOMAL RECESSIVE 10; Limb-girdle muscular dystrophy, type 2J. Identifiers: Orphanet 140922, MedGen C1837342, MONDO:0012127, OMIM 608807.
TTN-related disorder. Also called: TTN-related condition; TTN-related disease; TTN-related disorders.
Early-onset myopathy with fatal cardiomyopathy (CMYO5). Also called: CONGENITAL MYOPATHY 5 WITH CARDIOMYOPATHY; Salih Myopathy. Identifiers: Orphanet 289377, MedGen C2673677, MONDO:0012714, OMIM 611705. Disease mechanism: loss of function.
Myopathy, myofibrillar, 9, with early respiratory failure (MFM9). Also called: Myopathy, distal, with early respiratory failure, autosomal dominant; Hereditary myopathy with early respiratory failure; EDSTROM MYOPATHY; MYOPATHY, PROXIMAL, WITH EARLY RESPIRATORY MUSCLE INVOLVEMENT. Identifiers: Orphanet 178464, Orphanet 34521, MedGen C1863599, MONDO:0011362, OMIM 603689.
Tibial muscular dystrophy (TMD). Also called: Udd Distal Myopathy – Tibial Muscular Dystrophy; UDD MYOPATHY; Tibial muscular dystrophy, tardive. Identifiers: Orphanet 609, MedGen C1838244, MONDO:0010870, OMIM 600334.

Allele frequency attached by ClinVar (database versions not stated): TOPMed 0.00003; gnomAD 0.00004 and 0.00005; gnomAD exomes 0.00011 and 0.00017; ExAC 0.00015.
gnomAD v4.1: 163 of 1,613,758 alleles (0.01%); highest among the groups gnomAD compares: East Asian, 0.36%; 1 homozygote.

Submissions (8):

Labcorp Genetics (formerly Invitae), Labcorp
Classification: Likely benign for Dilated cardiomyopathy 1G; Autosomal recessive limb-girdle muscular dystrophy type 2J. Last evaluated: 2026-01-18. Review status: criteria provided, single submitter. Criteria: Invitae Variant Classification Sherloc (09022015). Collection method: clinical testing. Allele origin: germline.

Clinical Genomics Laboratory, Washington University in St. Louis
Classification: Uncertain significance for Dilated cardiomyopathy 1G. Last evaluated: 2024-03-21. Review status: criteria provided, single submitter. Criteria: ACMG Guidelines, 2015. Collection method: clinical testing. Allele origin: germline.
Comment: A TTN c.92506A>C (p.Thr30836Pro) variant was identified. This variant, to our knowledge, has not been reported in the medical literature to definitively be causative of TTN-related disease but was identified in an individual with an unexplained cardiac event (Takahashi Y et al., PMID: 37328711). This variant has been reported in the ClinVar database with conflicting classifications (uncertain, likely benign, benign; ClinVar Variation ID: 332727). This variant is observed on 46/280,332 variants in the general population (gnomAD v2.1.1). Computational predictors are uncertain as to the impact of this variant on TTN function. Due to limited information, and based on ACMG/AMP guidelines for variant interpretation (Richards S et al., PMID: 25741868), the clinical significance of the TTN c.92506A>C (p.Thr30836Pro) variant is uncertain at this time.

Illumina Laboratory Services, Illumina
Classification: Uncertain significance for Autosomal recessive limb-girdle muscular dystrophy type 2J. Last evaluated: 2018-01-13. Review status: criteria provided, single submitter. Criteria: ICSL Variant Classification Criteria 13 December 2019. Collection method: clinical testing. Allele origin: germline.

Illumina Laboratory Services, Illumina
Classification: Uncertain significance for Dilated cardiomyopathy 1G. Last evaluated: 2018-01-13. Review status: criteria provided, single submitter. Criteria: ICSL Variant Classification Criteria 13 December 2019. Collection method: clinical testing. Allele origin: germline.

Illumina Laboratory Services, Illumina
Classification: Benign for Myopathy, myofibrillar, 9, with early respiratory failure. Last evaluated: 2018-01-13. Review status: criteria provided, single submitter. Criteria: ICSL Variant Classification Criteria 13 December 2019. Collection method: clinical testing. Allele origin: germline.
Comment: This variant was observed in the ICSL laboratory as part of a predisposition screen in an ostensibly healthy population. It had not been previously curated by ICSL or reported in the Human Gene Mutation Database (HGMD: prior to June 1st, 2018), and was therefore a candidate for classification through an automated scoring system. Utilizing variant allele frequency, disease prevalence and penetrance estimates, and inheritance mode, an automated score was calculated to assess if this variant is too frequent to cause the disease. Based on the score and internal cut-off values, a variant classified as benign is not then subjected to further curation. The score for this variant resulted in a classification of benign for this disease.

Illumina Laboratory Services, Illumina
Classification: Uncertain significance for Early-onset myopathy with fatal cardiomyopathy. Last evaluated: 2018-01-13. Review status: criteria provided, single submitter. Criteria: ICSL Variant Classification Criteria 13 December 2019. Collection method: clinical testing. Allele origin: germline.

Illumina Laboratory Services, Illumina
Classification: Benign for Tibial muscular dystrophy. Last evaluated: 2018-01-13. Review status: criteria provided, single submitter. Criteria: ICSL Variant Classification Criteria 13 December 2019. Collection method: clinical testing. Allele origin: germline.
Comment: the same text as in the submission from Illumina Laboratory Services, Illumina above.

PreventionGenetics, part of Exact Sciences
Classification: Likely benign for TTN-related condition. Last evaluated: 2022-05-17. Review status: no assertion criteria provided. Collection method: clinical testing. Allele origin: germline. Not counted in ClinVar's aggregate classification.
Comment: This variant is classified as likely benign based on ACMG/AMP sequence variant interpretation guidelines (Richards et al. 2015 PMID: 25741868, with internal and published modifications).